The following is an entry in ClinVar:

ClinVar aggregate classification (germline): Uncertain significance. Review status: criteria provided, multiple submitters, no conflicts (2 of 4 stars). 2 submissions from 2 submitters: Uncertain significance (2). Last evaluated 2021-12-02.

Conditions:
Osteogenesis imperfecta (OI). Identifiers: Orphanet 666, MedGen C0029434, MeSH D010013, MONDO:0019019.

gnomAD v4.1: 4 of 1,614,116 alleles (0.00025%); highest among the groups gnomAD compares: Non-Finnish European, 0.00025%; no homozygotes.

Submissions (2):

Labcorp Genetics (formerly Invitae), Labcorp
Classification: Uncertain significance. Last evaluated: 2021-12-02. Review status: criteria provided, single submitter. Criteria: Invitae Variant Classification Sherloc (09022015). Collection method: clinical testing. Allele origin: germline.
Comment: In summary, the available evidence is currently insufficient to determine the role of this variant in disease. Therefore, it has been classified as a Variant of Uncertain Significance. Algorithms developed to predict the effect of missense changes on protein structure and function are either unavailable or do not agree on the potential impact of this missense change (SIFT: "Not Available"; PolyPhen-2: "Benign"; Align-GVGD: "Not Available"). This variant has not been reported in the literature in individuals affected with SERPINF1-related conditions. This variant is present in population databases (rs138610575, gnomAD 0.002%). This sequence change replaces glutamine with lysine at codon 133 of the SERPINF1 protein (p.Gln133Lys). The glutamine residue is weakly conserved and there is a small physicochemical difference between glutamine and lysine.

Genome Diagnostics Laboratory, The Hospital for Sick Children
Classification: Uncertain significance for Osteogenesis imperfecta. Last evaluated: 2021-04-13. Review status: criteria provided, single submitter. Criteria: ACMG Guidelines, 2015. Collection method: clinical testing. Allele origin: germline.

NM_002615.7(SERPINF1):c.397C>A (p.Gln133Lys)

Gene: SERPINF1 (serpin family F member 1; plus strand). Cytogenetic location: 17p13.3.
Variant type: single nucleotide variant.
Coding change: c.397C>A on transcript NM_002615.7 (MANE Select); coding-DNA position 397, C replaced by A.
Protein change: p.Gln133Lys; replaces glutamine 133 with lysine.
Molecular consequence: missense variant. On other transcripts: 5 prime UTR variant (1).
Genome position (GRCh38, 1-based): chr17:1,771,142, C>A. VCF-style: chr17-1771142-C-A. GRCh37 (hg19) VCF-style: chr17-1674436-C-A.
Other names: c.397C>A, p.Gln133Lys (NM_001329903.2); c.-165C>A (NM_001329904.2); short protein forms Q133K.
Identifiers: ClinVar variation 1430287 (VCV001430287.9), dbSNP rs138610575, ClinGen allele CA8274668.